The following is an entry in ClinVar:

NM_005051.3(QARS1):c.559AAG[1] (p.Lys188del)

Gene: QARS1 (glutaminyl-tRNA synthetase 1; minus strand). Cytogenetic location: 3p21.31.
Variant type: Microsatellite.
Coding change: c.559AAG[1] on transcript NM_005051.3 (MANE Select); one copy of the 3-base unit AAG starting at c.559; the reference has two copies in a row; one copy, 3 bases deleted.
Protein change: p.Lys188del; deletes lysine 188.
Molecular consequence: inframe deletion. On other transcripts: non-coding transcript variant (1).
Genome position (GRCh38, 1-based): chr3:49,102,425-49,102,427, CTT deleted on the plus strand (AAG on the coding strand, the reverse complement: QARS1 is on the minus strand); deleting any 3 consecutive bases within chr3:49,102,425-49,102,432 gives the same sequence; the position shown is the placement nearest the transcript's 3' end. VCF-style (leftmost placement, unchanged base first): chr3-49102424-ACTT-A. GRCh37 (hg19) VCF-style: chr3-49139857-ACTT-A.
Other names: c.526AAG[1], p.Lys177del (NM_001272073.2); short protein forms K188del, K177del.
Identifiers: ClinVar variation 1983479 (VCV001983479.2), dbSNP rs777092673, ClinGen allele CA2392109.

ClinVar aggregate classification (germline): Uncertain significance (1 of 4 stars; one submission).

Conditions:
Diffuse cerebral and cerebellar atrophy - intractable seizures - progressive microcephaly syndrome. Also called: Microcephaly, progressive, with seizures and cerebral and cerebellar atrophy. Identifiers: Orphanet 404437, MedGen C4014239, MONDO:0014335, OMIM 615760.

Submission:

Labcorp Genetics (formerly Invitae), Labcorp
Classification: Uncertain significance for Diffuse cerebral and cerebellar atrophy - intractable seizures - progressive microcephaly syndrome. Last evaluated: 2022-03-20. Review status: criteria provided, single submitter. Criteria: Invitae Variant Classification Sherloc (09022015). Collection method: clinical testing. Allele origin: germline.
Comment: In summary, the available evidence is currently insufficient to determine the role of this variant in disease. Therefore, it has been classified as a Variant of Uncertain Significance. Experimental studies and prediction algorithms are not available or were not evaluated, and the functional significance of this variant is currently unknown. This variant has not been reported in the literature in individuals affected with QARS-related conditions. This variant is present in population databases (rs777092673, gnomAD 0.01%). This variant, c.562_564del, results in the deletion of 1 amino acid(s) of the QARS protein (p.Lys188del), but otherwise preserves the integrity of the reading frame.